The following is an entry in ClinVar:

NM_000059.4(BRCA2):c.68-5A>G

Gene: BRCA2 (BRCA2 DNA repair associated; plus strand). Cytogenetic location: 13q13.1.
Variant type: single nucleotide variant.
Coding change: c.68-5A>G on transcript NM_000059.4 (MANE Select); 5 bases into the intron before coding-DNA position 68, A replaced by G.
Molecular consequence: intron variant.
Genome position (GRCh38, 1-based): chr13:32,319,072, A>G. VCF-style: chr13-32319072-A-G. GRCh37 (hg19) VCF-style: chr13-32893209-A-G.
Identifiers: ClinVar variation 481516 (VCV000481516.18), dbSNP rs1555280326, ClinGen allele CA658656327.

ClinVar aggregate classification (germline): Conflicting classifications of pathogenicity. Review status: criteria provided, conflicting classifications (1 of 4 stars). 4 submissions from 4 submitters: Pathogenic (1); Likely pathogenic (1); Uncertain significance (2). Last evaluated 2026-02-19.

Conditions:
Hereditary cancer-predisposing syndrome. Also called: Tumor predisposition; Hereditary Cancer Syndrome; Neoplastic Syndromes, Hereditary; Hereditary neoplastic syndrome. Identifiers: Orphanet 140162, MedGen C0027672, MeSH D009386, MONDO:0015356.
Hereditary breast ovarian cancer syndrome. Also called: Hereditary breast and/or ovarian cancer syndrome; Hereditary breast and ovarian cancer syndrome; Hereditary breast and ovarian cancer; Hereditary breast and ovarian cancer syndrome (HBOC); Breast and ovarian cancer; BRCA1- and BRCA2-Associated Hereditary Breast and Ovarian Cancer. Identifiers: Orphanet 145, MedGen C0677776, MeSH D061325, MONDO:0003582. Disease mechanism: loss of function.
Breast-ovarian cancer, familial, susceptibility to, 2 (BROVCA2). Also called: BRCA2 Hereditary Breast and Ovarian Cancer. Identifiers: Orphanet 145, MedGen C2675520, MONDO:0012933, OMIM 612555. Disease mechanism: loss of function.
Familial cancer of breast. Also called: Hereditary breast cancer; BREAST CANCER, FAMILIAL; hereditary breast carcinoma. Identifiers: Orphanet 227535, MedGen C0346153, MONDO:0016419, OMIM 114480. Disease mechanism: loss of function.

Submissions (4):

Ambry Genetics
Classification: Pathogenic for Hereditary cancer-predisposing syndrome. Last evaluated: 2026-02-19. Review status: criteria provided, single submitter. Criteria: Ambry Variant Classification Scheme 2023. Collection method: clinical testing. Allele origin: germline.
Comment: The c.68-5A>G intronic variant results from an A to G substitution 5 nucleotides upstream from coding exon 2 in the BRCA2 gene. This nucleotide position is poorly conserved in available vertebrate species. In silico splice site analysis predicts that this alteration may weaken the native splice acceptor site and will result in the creation or strengthening of a novel splice acceptor site. Quantitative RTPCR studies from patient material show that this alteration leads to the use of this cryptic acceptor site resulting in a transcript with an additional four nucleotides from intron 1 included leading to a frameshift (Gelli E et al. Cancers (Basel), 2019 Mar;11:). Based on the supporting evidence, this variant is interpreted as a disease-causing mutation.

Myriad Genetics, Inc.
Classification: Likely pathogenic for Breast-ovarian cancer, familial, susceptibility to, 2. Last evaluated: 2025-07-02. Review status: criteria provided, single submitter. Criteria: Myriad Autosomal Dominant, Autosomal Recessive and X-Linked Classification Criteria (2023). Collection method: clinical testing. Allele origin: unknown.
Comment: This variant is considered likely pathogenic. mRNA analysis has demonstrated abnormal mRNA splicing occurs [PMID: 30832263, Myriad internal data].

Labcorp Genetics (formerly Invitae), Labcorp
Classification: Uncertain significance for Hereditary breast ovarian cancer syndrome. Last evaluated: 2024-04-14. Review status: criteria provided, single submitter. Criteria: Invitae Variant Classification Sherloc (09022015). Collection method: clinical testing. Allele origin: germline.
Comment: This sequence change falls in intron 2 of the BRCA2 gene. It does not directly change the encoded amino acid sequence of the BRCA2 protein. This variant is not present in population databases (gnomAD no frequency). This variant has not been reported in the literature in individuals affected with BRCA2-related conditions. ClinVar contains an entry for this variant (Variation ID: 481516). Studies have shown that this variant is associated with inconclusive levels of altered splicing (PMID: 30832263). In summary, the available evidence is currently insufficient to determine the role of this variant in disease. Therefore, it has been classified as a Variant of Uncertain Significance.

Baylor Genetics
Classification: Uncertain significance for Familial cancer of breast. Last evaluated: 2024-02-12. Review status: criteria provided, single submitter. Criteria: ACMG Guidelines, 2015. Collection method: clinical testing. Allele origin: unknown.

Literature cited by the submitters: PubMed 30832263 (cited by 3 submitters).